The following is an entry in ClinVar:

ClinVar aggregate classification (germline): Uncertain significance. Review status: criteria provided, multiple submitters, no conflicts (2 of 4 stars). 2 submissions from 2 submitters: Uncertain significance (2). Last evaluated 2026-02-04.

Conditions:
Alport syndrome. Also called: Hemorrhagic familial nephritis; Hemorrhagic hereditary nephritis; Congenital hereditary hematuria. Identifiers: Orphanet 63, MedGen C1567741, MONDO:0018965.

Allele frequency attached by ClinVar (database versions not stated): TOPMed below 0.00001.
gnomAD v4.1: 2 of 1,613,972 alleles (0.00012%); highest among the groups gnomAD compares: Non-Finnish European, 0.00017%; no homozygotes.

Submissions (2):

Myriad Genetics, Inc.
Classification: Uncertain significance for Alport syndrome. Last evaluated: 2026-02-04. Review status: criteria provided, single submitter. Criteria: Myriad Autosomal Dominant, Autosomal Recessive and X-Linked Classification Criteria (2023). Collection method: clinical testing. Allele origin: unknown.
Comment: NM_000092.4(COL4A4):c.3773G>A(G1258D) is a missense variant classified as a variant of uncertain significance in the context of Alport syndrome, COL4A4-related. G1258D has been observed in a case with relevant disease (PMID: 37643964). Relevant functional assessments of this variant are not available in the literature. G1258D has not been observed in referenced population frequency databases. In summary, there is insufficient evidence to classify NM_000092.4(COL4A4):c.3773G>A(G1258D) as pathogenic or benign. Please note: this variant was assessed in the context of healthy population screening.

Labcorp Genetics (formerly Invitae), Labcorp
Classification: Uncertain significance. Last evaluated: 2022-06-20. Review status: criteria provided, single submitter. Criteria: Invitae Variant Classification Sherloc (09022015). Collection method: clinical testing. Allele origin: germline.
Comment: This sequence change replaces glycine, which is neutral and non-polar, with aspartic acid, which is acidic and polar, at codon 1258 of the COL4A4 protein (p.Gly1258Asp). This variant is not present in population databases (gnomAD no frequency). This variant has not been reported in the literature in individuals affected with COL4A4-related conditions. Advanced modeling of protein sequence and biophysical properties (such as structural, functional, and spatial information, amino acid conservation, physicochemical variation, residue mobility, and thermodynamic stability) performed at Invitae indicates that this missense variant is expected to disrupt COL4A4 protein function. In summary, the available evidence is currently insufficient to determine the role of this variant in disease. Therefore, it has been classified as a Variant of Uncertain Significance.

Literature cited by the submitters: PubMed 37643964 (cited by Myriad Genetics, Inc.).

NM_000092.5(COL4A4):c.3773G>A (p.Gly1258Asp)

Gene: COL4A4 (collagen type IV alpha 4 chain; minus strand). Cytogenetic location: 2q36.3.
Variant type: single nucleotide variant.
Coding change: c.3773G>A on transcript NM_000092.5 (MANE Select); coding-DNA position 3773, G replaced by A.
Protein change: p.Gly1258Asp; replaces glycine 1258 with aspartic acid.
Molecular consequence: missense variant.
Genome position (GRCh38, 1-based): chr2:227,031,989, C>T on the plus strand (G>A on the coding strand, the complement: COL4A4 is on the minus strand). VCF-style: chr2-227031989-C-T. GRCh37 (hg19) VCF-style: chr2-227896705-C-T.
Other names: short protein forms G1258D.
Identifiers: ClinVar variation 1468744 (VCV001468744.9), dbSNP rs1968521797, ClinGen allele CA350837580.